The following is an entry in ClinVar:

ClinVar aggregate classification (germline): Likely benign (1 of 4 stars; one submission).

Submission:

CeGaT Center for Human Genetics Tuebingen
Classification: Likely benign. Last evaluated: 2025-07-01. Review status: criteria provided, single submitter. Criteria: CeGaT Center For Human Genetics Tuebingen Variant Classification Criteria Version 2. Collection method: clinical testing. Allele origin: germline. Affected: yes. Observed: 1 variant allele.
Comment: SKIDA1: BS2

NM_207371.4(SKIDA1):c.1298C>T (p.Ala433Val)

Gene: SKIDA1 (SKI/DACH domain containing 1; minus strand). Cytogenetic location: 10p12.31.
Variant type: single nucleotide variant.
Coding change: c.1298C>T on transcript NM_207371.4 (MANE Select); coding-DNA position 1298, C replaced by T.
Protein change: p.Ala433Val; replaces alanine 433 with valine.
Molecular consequence: missense variant.
Genome position (GRCh38, 1-based): chr10:21,516,525, G>A on the plus strand (C>T on the coding strand, the complement: SKIDA1 is on the minus strand). VCF-style: chr10-21516525-G-A. GRCh37 (hg19) VCF-style: chr10-21805454-G-A.
Other names: short protein forms A433V.
Identifiers: ClinVar variation 4083555 (VCV004083555.8).
Genomic context (GRCh38, chr10:21,516,525, plus strand): 5'-CTGGAGTCCGACTCGGTGGACGAGTCCTCCTCCTCCGAGCTGACTTCACTGGAATCCGAG[G>A]CCCCGCTGCCCCCCTCCTCCTCCTCTTCCTCCTCCTCCTCCTCTCCCTCCTCCTCCTCTT-3'
Protein context (NP_997254.3, residues 423-443): EEEEEEGGSG[Ala433Val]SDSSEVSSEE